The following is an entry in ClinVar:

ClinVar aggregate classification (germline): Pathogenic/Likely pathogenic. Review status: criteria provided, multiple submitters, no conflicts (2 of 4 stars). 2 submissions from 2 submitters: Pathogenic (1); Likely pathogenic (1). Last evaluated 2025-10-22.

Conditions:
OPTN-related disorder. Also called: OPTN-related condition; OPTN-related disorders.
Glaucoma 1, open angle, E. Identifiers: MedGen C1842026, MONDO:0007665.
Primary open angle glaucoma (POAG). Also called: OPTN-related open angle glaucoma. Identifiers: MedGen C0339573, MONDO:0100553, OMIM 137760.
Amyotrophic lateral sclerosis type 12 (ALS12). Also called: AMYOTROPHIC LATERAL SCLEROSIS 12 WITH OR WITHOUT FRONTOTEMPORAL DEMENTIA. Identifiers: Orphanet 803, MedGen C3150692, MONDO:0013264, OMIM 613435.

gnomAD v4.1: 6 of 1,598,124 alleles (0.00038%); highest among the groups gnomAD compares: Admixed American, 0.01%; no homozygotes.

Submissions (2):

PreventionGenetics, part of Exact Sciences
Classification: Likely pathogenic for OPTN-related condition. Last evaluated: 2025-10-22. Review status: criteria provided, single submitter. Criteria: ACMG Guidelines, 2015. Collection method: clinical testing. Allele origin: germline.
Comment: The OPTN c.1240G>T variant is predicted to result in premature protein termination (p.Glu414*). To our knowledge, this variant has not been reported in the literature. This variant is reported in 0.020% of alleles in individuals of Latino descent in gnomAD. Nonsense variants in OPTN are expected to be pathogenic. This variant is interpreted as likely pathogenic.

Labcorp Genetics (formerly Invitae), Labcorp
Classification: Pathogenic for Primary open angle glaucoma; Glaucoma 1, open angle, E; Amyotrophic lateral sclerosis type 12. Last evaluated: 2024-06-24. Review status: criteria provided, single submitter. Criteria: Invitae Variant Classification Sherloc (09022015). Collection method: clinical testing. Allele origin: germline.
Comment: This sequence change creates a premature translational stop signal (p.Glu414*) in the OPTN gene. It is expected to result in an absent or disrupted protein product. Loss-of-function variants in OPTN are known to be pathogenic (PMID: 20428114). This variant is present in population databases (no rsID available, gnomAD 0.02%). This variant has not been reported in the literature in individuals affected with OPTN-related conditions. Algorithms developed to predict the effect of sequence changes on RNA splicing suggest that this variant may disrupt the consensus splice site. For these reasons, this variant has been classified as Pathogenic.

Literature cited by the submitters: PubMed 20428114 (cited by Labcorp Genetics (formerly Invitae), Labcorp).

NM_001008212.2(OPTN):c.1240G>T (p.Glu414Ter)

Gene: OPTN (optineurin; plus strand). Cytogenetic location: 10p13.
Variant type: single nucleotide variant.
Coding change: c.1240G>T on transcript NM_001008212.2 (MANE Select); coding-DNA position 1240, G replaced by T.
Protein change: p.Glu414Ter; replaces glutamic acid 414 with a stop codon.
Molecular consequence: nonsense.
Genome position (GRCh38, 1-based): chr10:13,126,037, G>T. VCF-style: chr10-13126037-G-T. GRCh37 (hg19) VCF-style: chr10-13168037-G-T.
Other names: c.1240G>T, p.Glu414Ter (NM_001008211.1, NM_001008213.1, NM_021980.4); short protein forms E414*.
Identifiers: ClinVar variation 3751761 (VCV003751761.3).